The following is an entry in ClinVar:

NM_000238.4(KCNH2):c.3093_3094del (p.Arg1032fs)

Gene: KCNH2 (potassium voltage-gated channel subfamily H member 2; minus strand). Cytogenetic location: 7q36.1.
Variant type: Deletion.
Coding change: c.3093_3094del on transcript NM_000238.4 (MANE Select); coding-DNA positions 3093 to 3094, 2 bases deleted (TC; older notation c.3093_3094delTC).
Protein change: p.Arg1032fs; shifts the reading frame from arginine 1032.
Molecular consequence: frameshift variant.
Genome position (GRCh38, 1-based): chr7:150,947,386-150,947,387, GA deleted on the plus strand (TC on the coding strand, the reverse complement: KCNH2 is on the minus strand). VCF-style (leftmost placement, unchanged base first): chr7-150947385-CGA-C. GRCh37 (hg19) VCF-style: chr7-150644473-CGA-C.
Other names: c.2805_2806delTC, p.Arg936Alafs (NM_001406753.1); c.2073_2074del, p.Arg692fs (NM_172057.3); short protein forms R692fs, R1032fs.
Identifiers: ClinVar variation 1727478 (VCV001727478.2), dbSNP rs2486004220, ClinGen allele CA2580077711.

ClinVar aggregate classification (germline): Pathogenic (1 of 4 stars; one submission).

Conditions:
Cardiovascular phenotype. Identifiers: MedGen CN230736.

Submission:

Ambry Genetics
Classification: Pathogenic for Cardiovascular phenotype. Last evaluated: 2022-05-11. Review status: criteria provided, single submitter. Criteria: Ambry Variant Classification Scheme 2023. Collection method: clinical testing. Allele origin: germline.
Comment: The c.3093_3094delTC pathogenic mutation, located in coding exon 13 of the KCNH2 gene, results from a deletion of two nucleotides at nucleotide positions 3093 to 3094, causing a translational frameshift with a predicted alternate stop codon (p.R1032Afs*86). This alteration occurs at the 3' terminus of theKCNH2 gene and is not expected to trigger nonsense-mediated mRNA decay. However, premature stop codons are typically deleterious in nature, a significant portion (11%) of the protein is affected, and the impacted region is critical for protein function (Ambry internal data). This variant is considered to be rare based on population cohorts in the Genome Aggregation Database (gnomAD). Based on the supporting evidence, this alteration is interpreted as a disease-causing mutation.